The following is an entry in ClinVar:

NM_000535.7(PMS2):c.1790C>T (p.Thr597Ile)

Gene: PMS2 (PMS1 homolog 2, mismatch repair system component; minus strand). Cytogenetic location: 7p22.1.
Variant type: single nucleotide variant.
Coding change: c.1790C>T on transcript NM_000535.7 (MANE Select); coding-DNA position 1790, C replaced by T.
Protein change: p.Thr597Ile; replaces threonine 597 with isoleucine.
Molecular consequence: missense variant. On other transcripts: non-coding transcript variant (1).
Genome position (GRCh38, 1-based): chr7:5,986,975, G>A on the plus strand (C>T on the coding strand, the complement: PMS2 is on the minus strand). VCF-style: chr7-5986975-G-A. GRCh37 (hg19) VCF-style: chr7-6026606-G-A.
Other names: c.1385C>T, p.Thr462Ile (NM_001322004.2, NM_001322005.2, NM_001322009.2 and 17 more transcripts); c.1634C>T, p.Thr545Ile (NM_001322006.2, NM_001406870.1); c.1472C>T, p.Thr491Ile (NM_001322007.2, NM_001322008.2, NM_001406876.1 and 2 more transcripts); c.1229C>T, p.Thr410Ile (NM_001322010.2, NM_001406906.1, NM_001406907.1); c.857C>T, p.Thr286Ile (NM_001322011.2, NM_001322012.2); c.1217C>T, p.Thr406Ile (NM_001322013.2, NM_001406909.1); c.1622C>T, p.Thr541Ile (NM_001406874.1); c.1481C>T, p.Thr494Ile (NM_001406875.1, NM_001406877.1, NM_001406878.1 and 5 more transcripts); and 12 more; short protein forms T340I, T426I, T439I, T442I, T491I, T531I, T545I, T561I.
Identifiers: ClinVar variation 1780183 (VCV001780183.3), dbSNP rs878854038, ClinGen allele CA366739839.

ClinVar aggregate classification (germline): Uncertain significance (1 of 4 stars; one submission).

Conditions:
Hereditary cancer-predisposing syndrome. Also called: Tumor predisposition; Hereditary Cancer Syndrome; Hereditary neoplastic syndrome; Neoplastic Syndromes, Hereditary. Identifiers: Orphanet 140162, MedGen C0027672, MeSH D009386, MONDO:0015356.

Submission:

Ambry Genetics
Classification: Uncertain significance for Hereditary cancer-predisposing syndrome. Last evaluated: 2025-12-22. Review status: criteria provided, single submitter. Criteria: Ambry Variant Classification Scheme 2023. Collection method: clinical testing. Allele origin: germline.
Comment: The p.T597I variant (also known as c.1790C>T), located in coding exon 11 of the PMS2 gene, results from a C to T substitution at nucleotide position 1790. The threonine at codon 597 is replaced by isoleucine, an amino acid with similar properties. This amino acid position is not well conserved in available vertebrate species. In addition, this alteration is predicted to be tolerated by in silico analysis. Based on the available evidence, the clinical significance of this variant remains unclear.